The following is an entry in ClinVar:

ClinVar aggregate classification (germline): Likely benign. Review status: criteria provided, multiple submitters, no conflicts (2 of 4 stars). 4 submissions from 4 submitters: Likely benign (4). Last evaluated 2025-11-05.

Conditions:
Cardiovascular phenotype. Identifiers: MedGen CN230736.
Naxos disease (NXD). Also called: CARDIOMYOPATHY, ARRHYTHMOGENIC RIGHT VENTRICULAR, WITH SKIN, HAIR, AND NAIL ABNORMALITIES; PALMOPLANTAR KERATODERMA WITH ARRHYTHMOGENIC RIGHT VENTRICULAR CARDIOMYOPATHY AND WOOLLY HAIR; WOOLLY HAIR, PALMOPLANTAR KERATODERMA, AND CARDIAC ABNORMALITIES; KERATOSIS PALMOPLANTARIS WITH ARRHYTHMOGENIC CARDIOMYOPATHY; MAL DE NAXOS. Identifiers: Orphanet 34217, MedGen C1832600, MONDO:0011017, OMIM 601214.
Arrhythmogenic right ventricular dysplasia 12. Also called: ARRHYTHMOGENIC RIGHT VENTRICULAR DYSPLASIA, FAMILIAL, 12. Identifiers: MedGen C1969081, MONDO:0012684, OMIM 611528.

Allele frequency attached by ClinVar (database versions not stated): gnomAD 0.00001; gnomAD exomes 0.00002; TOPMed 0.00002.
gnomAD v4.1: 27 of 1,613,194 alleles (0.0017%); highest among the groups gnomAD compares: South Asian, 0.0022%; no homozygotes.

Submissions (4):

Labcorp Genetics (formerly Invitae), Labcorp
Classification: Likely benign for Arrhythmogenic right ventricular dysplasia 12; Naxos disease. Last evaluated: 2025-11-05. Review status: criteria provided, single submitter. Criteria: Invitae Variant Classification Sherloc (09022015). Collection method: clinical testing. Allele origin: germline.

Ambry Genetics
Classification: Likely benign for Cardiovascular phenotype. Last evaluated: 2025-01-10. Review status: criteria provided, single submitter. Criteria: Ambry Variant Classification Scheme 2023. Collection method: clinical testing. Allele origin: germline.

CeGaT Center for Human Genetics Tuebingen
Classification: Likely benign. Last evaluated: 2024-07-01. Review status: criteria provided, single submitter. Criteria: CeGaT Center For Human Genetics Tuebingen Variant Classification Criteria Version 2. Collection method: clinical testing. Allele origin: germline. Affected: yes. Observed: 1 variant allele.
Comment: JUP: BP4, BP7

GeneDx
Classification: Likely benign. Last evaluated: 2015-12-04. Review status: criteria provided, single submitter. Criteria: GeneDx Variant Classification (06012015). Collection method: clinical testing. Allele origin: germline. Affected: yes.
Comment: This variant is considered likely benign or benign based on one or more of the following criteria: it is a conservative change, it occurs at a poorly conserved position in the protein, it is predicted to be benign by multiple in silico algorithms, and/or has population frequency not consistent with disease.

NM_002230.4(JUP):c.1851G>A (p.Ala617=)

Gene: JUP (junction plakoglobin; minus strand). Cytogenetic location: 17q21.2.
Variant type: single nucleotide variant.
Coding change: c.1851G>A on transcript NM_002230.4 (MANE Select); coding-DNA position 1851, G replaced by A.
Protein change: p.Ala617=; no amino-acid change (alanine 617 retained).
Molecular consequence: synonymous variant.
Genome position (GRCh38, 1-based): chr17:41,757,707, C>T on the plus strand (G>A on the coding strand, the complement: JUP is on the minus strand). VCF-style: chr17-41757707-C-T. GRCh37 (hg19) VCF-style: chr17-39913959-C-T.
Other names: c.1851G>A, p.Ala617= (NM_001352773.2, NM_001352774.2, NM_001352775.2 and 3 more transcripts).
Identifiers: ClinVar variation 381996 (VCV000381996.26), dbSNP rs1031612674, ClinGen allele CA16607632.